The following is an entry in ClinVar:

NM_000238.4(KCNH2):c.1391T>C (p.Ile464Thr)

Gene: KCNH2 (potassium voltage-gated channel subfamily H member 2; minus strand). Cytogenetic location: 7q36.1.
Variant type: single nucleotide variant.
Coding change: c.1391T>C on transcript NM_000238.4 (MANE Select); coding-DNA position 1391, T replaced by C.
Protein change: p.Ile464Thr; replaces isoleucine 464 with threonine.
Molecular consequence: missense variant.
Genome position (GRCh38, 1-based): chr7:150,952,591, A>G on the plus strand (T>C on the coding strand, the complement: KCNH2 is on the minus strand). VCF-style: chr7-150952591-A-G. GRCh37 (hg19) VCF-style: chr7-150649679-A-G.
Other names: c.371T>C, p.Ile124Thr (NM_001204798.2, NM_172057.3); c.1103T>C, p.Ile368Thr (NM_001406753.1, NM_001406756.1); c.1214T>C, p.Ile405Thr (NM_001406755.1); c.1091T>C, p.Ile364Thr (NM_001406757.1); c.1391T>C, p.Ile464Thr (NM_172056.3); c.1391T>C (NM_000238.2); short protein forms I124T, I464T, I405T, I368T, I364T.
Identifiers: ClinVar variation 919164 (VCV000919164.9), dbSNP rs1801219752, ClinGen allele CA369859847.

ClinVar aggregate classification (germline): Uncertain significance. Review status: criteria provided, multiple submitters, no conflicts (2 of 4 stars). 2 submissions from 2 submitters: Uncertain significance (2). Last evaluated 2026-03-07.

Conditions:
Cardiac arrhythmia. Also called: Arrhythmia; Cardiac rhythm disease. Identifiers: MedGen C0003811, MONDO:0007263, HP:0011675.

Submissions (2):

GeneDx
Classification: Uncertain significance. Last evaluated: 2026-03-07. Review status: criteria provided, single submitter. Criteria: GeneDx Variant Classification Process June 2021. Collection method: clinical testing. Allele origin: germline.
Comment: Not observed at significant frequency in large population cohorts (gnomAD); In silico analysis supports that this missense variant has a deleterious effect on protein structure/function; Has not been previously published as pathogenic or benign to our knowledge

Color Diagnostics, LLC DBA Color Health
Classification: Uncertain significance for Cardiac arrhythmia. Last evaluated: 2023-12-05. Review status: criteria provided, single submitter. Criteria: ACMG Guidelines, 2015. Collection method: clinical testing. Allele origin: germline.
Comment: Variant of Uncertain Significance due to insufficient evidence: This missense variant is located in the transmembrane domain S2 of the KCNH2 protein. Computational prediction tools and conservation analyses suggest that this variant may have deleterious impact on the protein function. Computational splicing tools suggest that this variant may not impact RNA splicing. To our knowledge, functional assays have not been performed for this variant nor has this variant been reported in individuals affected with cardiovascular disorders in the literature. This variant is rare in the general population and has been identified in 0/277264 chromosomes by the Genome Aggregation Database (gnomAD). Available evidence is insufficient to determine the pathogenicity of this variant conclusively.